The following is an entry in ClinVar:

NM_001035.3(RYR2):c.1039G>C (p.Asp347His)

Gene: RYR2 (ryanodine receptor 2; plus strand). Cytogenetic location: 1q43.
Variant type: single nucleotide variant.
Coding change: c.1039G>C on transcript NM_001035.3 (MANE Select); coding-DNA position 1039, G replaced by C.
Protein change: p.Asp347His; replaces aspartic acid 347 with histidine.
Molecular consequence: missense variant.
Genome position (GRCh38, 1-based): chr1:237,441,352, G>C. VCF-style: chr1-237441352-G-C. GRCh37 (hg19) VCF-style: chr1-237604652-G-C.
Other names: short protein forms D347H.
Identifiers: ClinVar variation 3385662 (VCV003385662.1).

ClinVar aggregate classification (germline): Uncertain significance (1 of 4 stars; one submission).

Conditions:
Catecholaminergic polymorphic ventricular tachycardia (CVPT). Also called: Catecholamine-induced polymorphic ventricular tachycardia. Identifiers: Orphanet 3286, MedGen C5574922, MONDO:0017990.

Submission:

All of Us Research Program, National Institutes of Health
Classification: Uncertain significance for Catecholaminergic polymorphic ventricular tachycardia. Last evaluated: 2024-03-24. Review status: criteria provided, single submitter. Criteria: ACMG Guidelines, 2015. Collection method: clinical testing. Allele origin: germline. Inheritance: Autosomal dominant inheritance. Observed: 1 variant allele, 1 heterozygote.
Comment: This missense variant replaces aspartic acid with histidine at codon 347 of the RYR2 protein. Computational prediction suggests that this variant may have deleterious impact on protein structure and function (internally defined REVEL score threshold >= 0.7, PMID: 27666373). To our knowledge, functional studies have not been reported for this variant. This variant has not been reported in individuals affected with RYR2-related disorders in the literature. This variant has not been identified in the general population by the Genome Aggregation Database (gnomAD). The available evidence is insufficient to determine the role of this variant in disease conclusively. Therefore, this variant is classified as a Variant of Uncertain Significance.

This study involves interpretation of variants in research participants for the purpose of population health screening. Participant phenotype was not available at the time of variant classification. Additional details can be found in publication PMID: 35346344, PMCID: PMC8962531